The following is an entry in ClinVar:

ClinVar aggregate classification (germline): Uncertain significance. Review status: criteria provided, multiple submitters, no conflicts (2 of 4 stars). 2 submissions from 2 submitters: Uncertain significance (2). Last evaluated 2022-08-22.

Conditions:
Immunodeficiency 35 (IMD35). Also called: TYK2 DEFICIENCY; Susceptibility to infection due to TYK2 deficiency; HIES WITH ATYPICAL MYCOBACTERIOSIS, AUTOSOMAL RECESSIVE; HYPER-IgE SYNDROME WITH ATYPICAL MYCOBACTERIOSIS, AUTOSOMAL RECESSIVE. Identifiers: Orphanet 331226, MedGen C1969086, MONDO:0012682, OMIM 611521.

Allele frequency attached by ClinVar (database versions not stated): TOPMed 0.00003.
gnomAD v4.1: 38 of 1,612,782 alleles (0.0024%); highest among the groups gnomAD compares: Non-Finnish European, 0.0031%; no homozygotes.

Submissions (2):

Labcorp Genetics (formerly Invitae), Labcorp
Classification: Uncertain significance for Immunodeficiency 35. Last evaluated: 2022-08-22. Review status: criteria provided, single submitter. Criteria: Invitae Variant Classification Sherloc (09022015). Collection method: clinical testing. Allele origin: germline.
Comment: This sequence change replaces proline, which is neutral and non-polar, with alanine, which is neutral and non-polar, at codon 42 of the TYK2 protein (p.Pro42Ala). This variant is present in population databases (rs147251502, gnomAD 0.004%). This variant has not been reported in the literature in individuals affected with TYK2-related conditions. ClinVar contains an entry for this variant (Variation ID: 967405). Algorithms developed to predict the effect of missense changes on protein structure and function are either unavailable or do not agree on the potential impact of this missense change (SIFT: "Not Available"; PolyPhen-2: "Benign"; Align-GVGD: "Not Available"). In summary, the available evidence is currently insufficient to determine the role of this variant in disease. Therefore, it has been classified as a Variant of Uncertain Significance.

Revvity Omics, Revvity
Classification: Uncertain significance for Immunodeficiency 35. Last evaluated: 2019-07-05. Review status: criteria provided, single submitter. Criteria: ACMG Guidelines, 2015. Collection method: clinical testing. Allele origin: germline.

NM_003331.5(TYK2):c.124C>G (p.Pro42Ala)

Gene: TYK2 (tyrosine kinase 2; minus strand). Cytogenetic location: 19p13.2.
Variant type: single nucleotide variant.
Coding change: c.124C>G on transcript NM_003331.5 (MANE Select); coding-DNA position 124, C replaced by G.
Protein change: p.Pro42Ala; replaces proline 42 with alanine.
Molecular consequence: missense variant.
Genome position (GRCh38, 1-based): chr19:10,378,283, G>C on the plus strand (C>G on the coding strand, the complement: TYK2 is on the minus strand). VCF-style: chr19-10378283-G-C. GRCh37 (hg19) VCF-style: chr19-10488959-G-C.
Other names: short protein forms P42A.
Identifiers: ClinVar variation 967405 (VCV000967405.9), dbSNP rs147251502, ClinGen allele CA9193883.